The following is an entry in ClinVar:

ClinVar aggregate classification (germline): Likely benign (0 of 4 stars; one submission).

Conditions:
SLC34A3-related disorder. Also called: SLC34A3-related condition.

Allele frequency attached by ClinVar (database versions not stated): ExAC 0.00056.

Submission:

PreventionGenetics, part of Exact Sciences
Classification: Likely benign for SLC34A3-related condition. Last evaluated: 2019-05-30. Review status: no assertion criteria provided. Collection method: clinical testing. Allele origin: germline.
Comment: This variant is classified as likely benign based on ACMG/AMP sequence variant interpretation guidelines (Richards et al. 2015 PMID: 25741868, with internal and published modifications).

NM_001177316.2(SLC34A3):c.926-42A>C

Gene: SLC34A3 (solute carrier family 34 member 3; plus strand). Cytogenetic location: 9q34.3.
Variant type: single nucleotide variant.
Coding change: c.926-42A>C on transcript NM_001177316.2 (MANE Select); 42 bases into the intron before coding-DNA position 926, A replaced by C.
Molecular consequence: intron variant.
Genome position (GRCh38, 1-based): chr9:137,234,067, A>C. VCF-style: chr9-137234067-A-C. GRCh37 (hg19) VCF-style: chr9-140128519-A-C.
Other names: c.926-42A>C (NM_001177317.2, NM_080877.3).
Identifiers: ClinVar variation 3041383 (VCV003041383.2), dbSNP rs774670282, ClinGen allele CA5364695.